The following is an entry in ClinVar:

NM_001267550.2(TTN):c.104052AGA[1] (p.Glu34686del)

Genes: TTN (titin; minus strand), TTN-AS1 (TTN antisense RNA 1; plus strand). Cytogenetic location: 2q31.2.
Variant type: Microsatellite.
Coding change: c.104052AGA[1] on transcript NM_001267550.2 (MANE Select); one copy of the 3-base unit AGA starting at c.104052; the reference has two copies in a row; one copy, 3 bases deleted; also written c.104055_104057del.
Protein change: p.Glu34686del; deletes glutamic acid 34686.
Molecular consequence: inframe deletion.
Genome position (GRCh38, 1-based): chr2:178,532,558-178,532,560, TCT deleted on the plus strand (AGA on the coding strand, the reverse complement: TTN is on the minus strand); deleting any 3 consecutive bases within chr2:178,532,558-178,532,565 gives the same sequence; the position shown is the placement nearest the transcript's 3' end. VCF-style (leftmost placement, unchanged base first): chr2-178532557-CTCT-C. GRCh37 (hg19) VCF-style: chr2-179397284-CTCT-C.
Other names: c.99129AGA[1], p.Glu33045del (NM_001256850.1); c.76857AGA[1], p.Glu25621del (NM_003319.4); c.96348AGA[1], p.Glu32118del (NM_133378.4); c.77232AGA[1], p.Glu25746del (NM_133432.3); c.77433AGA[1], p.Glu25813del (NM_133437.4); c.104055_104057del (NM_001267550.2); c.76860_76862delAGA (NM_003319.4); short protein forms E25621del, E34686del, E32118del, E33045del, E25746del, E25813del.
Identifiers: ClinVar variation 855609 (VCV000855609.8), dbSNP rs1689633500, ClinGen allele CA916081329.

ClinVar aggregate classification (germline): Uncertain significance. Review status: criteria provided, multiple submitters, no conflicts (2 of 4 stars). 2 submissions from 2 submitters: Uncertain significance (2). Last evaluated 2024-06-11.

Conditions:
Cardiovascular phenotype. Identifiers: MedGen CN230736.
Dilated cardiomyopathy 1G (CMD1G). Identifiers: Orphanet 154, MedGen C1858763, MONDO:0011400, OMIM 604145.
Autosomal recessive limb-girdle muscular dystrophy type 2J (LGMDR10). Also called: Limb-girdle muscular dystrophy, type 2J; MUSCULAR DYSTROPHY, LIMB-GIRDLE, AUTOSOMAL RECESSIVE 10. Identifiers: Orphanet 140922, MedGen C1837342, MONDO:0012127, OMIM 608807.

Submissions (2):

Labcorp Genetics (formerly Invitae), Labcorp
Classification: Uncertain significance for Dilated cardiomyopathy 1G; Autosomal recessive limb-girdle muscular dystrophy type 2J. Last evaluated: 2024-06-11. Review status: criteria provided, single submitter. Criteria: Invitae Variant Classification Sherloc (09022015). Collection method: clinical testing. Allele origin: germline.
Comment: This variant, c.104055_104057del, results in the deletion of 1 amino acid(s) of the TTN protein (p.Glu34686del), but otherwise preserves the integrity of the reading frame. This variant is not present in population databases (gnomAD no frequency). This variant has not been reported in the literature in individuals affected with TTN-related conditions. ClinVar contains an entry for this variant (Variation ID: 855609). Experimental studies and prediction algorithms are not available or were not evaluated, and the functional significance of this variant is currently unknown. This variant is located in the M band of TTN (PMID: 25589632). Non-truncating variants in this region may be relevant for neuromuscular disorders, but have not been definitively shown to cause cardiomyopathy (PMID: 23975875). In summary, the available evidence is currently insufficient to determine the role of this variant in disease. Therefore, it has been classified as a Variant of Uncertain Significance.

Ambry Genetics
Classification: Uncertain significance for Cardiovascular phenotype. Last evaluated: 2024-03-21. Review status: criteria provided, single submitter. Criteria: Ambry Variant Classification Scheme 2023. Collection method: clinical testing. Allele origin: germline.
Comment: The c.76860_76862delAGA variant (also known as p.E25621del) is located in coding exon 185 of the TTN gene. This variant results from an in-frame AGA deletion at nucleotide positions 76860 to 76862. This results in the in-frame deletion of a glutamic acid at codon 25621. The deleted amino acid position is highly conserved in available vertebrate species. In addition, this alteration is predicted to be deleterious by in silico analysis (Choi Y et al. PLoS ONE. 2012; 7(10):e46688). Based on the available evidence, the clinical significance of this alteration remains unclear.

Literature cited by the submitters: PubMed 25589632 (cited by Labcorp Genetics (formerly Invitae), Labcorp); PubMed 23975875 (cited by Labcorp Genetics (formerly Invitae), Labcorp).